The following is an entry in ClinVar:

ClinVar aggregate classification (germline): Likely pathogenic (1 of 4 stars; one submission).

Submission:

GeneDx
Classification: Likely pathogenic. Last evaluated: 2024-04-29. Review status: criteria provided, single submitter. Criteria: GeneDx Variant Classification Process June 2021. Collection method: clinical testing. Allele origin: germline. Affected: yes.
Comment: Nonsense variant predicted to result in protein truncation or nonsense mediated decay in a gene for which loss of function is a known mechanism of disease; Not observed at significant frequency in large population cohorts (gnomAD); Has not been previously published as pathogenic or benign to our knowledge

NM_000136.3(FANCC):c.628G>T (p.Glu210Ter)

Genes: AOPEP (aminopeptidase O (putative); plus strand), FANCC (FA complementation group C; minus strand). Cytogenetic location: 9q22.32.
Variant type: single nucleotide variant.
Coding change: c.628G>T on transcript NM_000136.3 (MANE Select); coding-DNA position 628, G replaced by T.
Protein change: p.Glu210Ter; replaces glutamic acid 210 with a stop codon.
Molecular consequence: nonsense.
Genome position (GRCh38, 1-based): chr9:95,149,981, C>A on the plus strand (G>T on the coding strand, the complement: FANCC is on the minus strand). VCF-style: chr9-95149981-C-A. GRCh37 (hg19) VCF-style: chr9-97912263-C-A.
Other names: c.628G>T, p.Glu210Ter (NM_001243743.2, NM_001243744.2); short protein forms E210*.
Identifiers: ClinVar variation 3372885 (VCV003372885.1).